The following is an entry in ClinVar:

NM_170707.4(LMNA):c.357-269T>C

Genes: LMNA (lamin A/C; plus strand), LOC126805877 (MED14-independent group 3 enhancer GRCh37_chr1:156099693-156100892; plus strand). Cytogenetic location: 1q22.
Variant type: single nucleotide variant.
Coding change: c.357-269T>C on transcript NM_170707.4 (MANE Select); 269 bases into the intron before coding-DNA position 357, T replaced by C.
Molecular consequence: intron variant.
Genome position (GRCh38, 1-based): chr1:156,130,348, T>C. VCF-style: chr1-156130348-T-C. GRCh37 (hg19) VCF-style: chr1-156100139-T-C.
Other names: c.357-269T>C (NM_001282625.2, NM_001282626.2, NM_170708.4 and 1 more transcripts); c.21-269T>C (NM_001257374.3); c.114-269T>C (NM_001282624.2).
Identifiers: ClinVar variation 668923 (VCV000668923.1), dbSNP rs508641, ClinGen allele CA15075699.

ClinVar aggregate classification (germline): Benign (1 of 4 stars; one submission).

Allele frequency attached by ClinVar (database versions not stated): gnomAD 0.08156 and 0.08378; 1000 Genomes Project 0.08546; TOPMed 0.08686; 1000 Genomes Project 30x 0.08994.
gnomAD v4.1: 12,331 of 151,902 alleles (8.1%); highest among the groups gnomAD compares: African/African-American, 17%; 795 homozygotes.

Submission:

GeneDx
Classification: Benign. Last evaluated: 2018-06-18. Review status: criteria provided, single submitter. Criteria: GeneDx Variant Classification (06012015). Collection method: clinical testing. Allele origin: germline. Affected: yes.
Comment: This variant is considered likely benign or benign based on one or more of the following criteria: it is a conservative change, it occurs at a poorly conserved position in the protein, it is predicted to be benign by multiple in silico algorithms, and/or has population frequency not consistent with disease.